The following is an entry in ClinVar:

ClinVar aggregate classification (germline): Uncertain significance. Review status: criteria provided, multiple submitters, no conflicts (2 of 4 stars). 2 submissions from 2 submitters: Uncertain significance (2). Last evaluated 2025-04-24.

Conditions:
Inborn genetic diseases. Identifiers: MedGen C0950123, MeSH D030342.

Allele frequency attached by ClinVar (database versions not stated): ExAC 0.00002; gnomAD 0.00002; TOPMed 0.00002; ESP Exome Variant Server 0.00015.
gnomAD v4.1: 30 of 1,614,106 alleles (0.0019%); highest among the groups gnomAD compares: Middle Eastern, 0.017%; no homozygotes.

Submissions (2):

GeneDx
Classification: Uncertain significance. Last evaluated: 2025-04-24. Review status: criteria provided, single submitter. Criteria: GeneDx Variant Classification Process June 2021. Collection method: clinical testing. Allele origin: germline. Affected: yes.
Comment: In silico analysis indicates that this missense variant does not alter protein structure/function; Has not been previously published as pathogenic or benign to our knowledge; This variant is associated with the following publications: (PMID: 21520338, 31554319, 9590290)

Ambry Genetics
Classification: Uncertain significance for Inborn genetic diseases. Last evaluated: 2022-01-10. Review status: criteria provided, single submitter. Criteria: Ambry Variant Classification Scheme 2023. Collection method: clinical testing. Allele origin: germline.

NM_005422.4(TECTA):c.803G>A (p.Arg268Gln)

Genes: TBCEL-TECTA (TBCEL-TECTA readthrough; plus strand), TECTA (tectorin alpha; plus strand). Cytogenetic location: 11q23.3.
Variant type: single nucleotide variant.
Coding change: c.803G>A on transcript NM_005422.4 (MANE Select); coding-DNA position 803, G replaced by A.
Protein change: p.Arg268Gln; replaces arginine 268 with glutamine.
Molecular consequence: missense variant.
Genome position (GRCh38, 1-based): chr11:121,118,318, G>A. VCF-style: chr11-121118318-G-A. GRCh37 (hg19) VCF-style: chr11-120989027-G-A.
Other names: c.1760G>A, p.Arg587Gln (NM_001378761.1); short protein forms R268Q, R587Q.
Identifiers: ClinVar variation 3175685 (VCV003175685.2), dbSNP rs147609795, ClinGen allele CA6326614.